The following is an entry in ClinVar:

NM_012431.3(SEMA3E):c.2070G>C (p.Arg690Ser)

Gene: SEMA3E (semaphorin 3E; minus strand). Cytogenetic location: 7q21.11.
Variant type: single nucleotide variant.
Coding change: c.2070G>C on transcript NM_012431.3 (MANE Select); coding-DNA position 2070, G replaced by C.
Protein change: p.Arg690Ser; replaces arginine 690 with serine.
Molecular consequence: missense variant.
Genome position (GRCh38, 1-based): chr7:83,367,844, C>G on the plus strand (G>C on the coding strand, the complement: SEMA3E is on the minus strand). VCF-style: chr7-83367844-C-G. GRCh37 (hg19) VCF-style: chr7-82997160-C-G.
Other names: c.1890G>C, p.Arg630Ser (NM_001178129.2); short protein forms R630S, R690S.
Identifiers: ClinVar variation 3358331 (VCV003358331.1).

ClinVar aggregate classification (germline): Uncertain significance (0 of 4 stars; one submission).

Conditions:
SEMA3E-related disorder. Also called: SEMA3E-related condition.

gnomAD v4.1: 19 of 1,613,576 alleles (0.0012%); highest among the groups gnomAD compares: Non-Finnish European, 0.0013%; no homozygotes.

Submission:

PreventionGenetics, part of Exact Sciences
Classification: Uncertain significance for SEMA3E-related condition. Last evaluated: 2024-05-27. Review status: no assertion criteria provided. Collection method: clinical testing. Allele origin: germline.
Comment: The SEMA3E c.2070G>C variant is predicted to result in the amino acid substitution p.Arg690Ser. To our knowledge, this variant has not been reported in the literature. This variant is reported in 0.0018% of alleles in individuals of European (Non-Finnish) descent in gnomAD. At this time, the clinical significance of this variant is uncertain due to the absence of conclusive functional and genetic evidence.